The following is an entry in ClinVar:

ClinVar aggregate classification (germline): Conflicting classifications of pathogenicity. Review status: criteria provided, conflicting classifications (1 of 4 stars). 2 submissions from 2 submitters: Likely pathogenic (1); Uncertain significance (1). Last evaluated 2025-09-01.

Conditions:
Inborn genetic diseases. Identifiers: MedGen C0950123, MeSH D030342.

Submissions (2):

CeGaT Center for Human Genetics Tuebingen
Classification: Likely pathogenic. Last evaluated: 2025-09-01. Review status: criteria provided, single submitter. Criteria: CeGaT Center For Human Genetics Tuebingen Variant Classification Criteria Version 2. Collection method: clinical testing. Allele origin: germline. Affected: yes. Observed: 1 variant allele.
Comment: PAX6: PM1, PM2, PM5, PP3

Ambry Genetics
Classification: Uncertain significance for Inborn genetic diseases. Last evaluated: 2025-04-15. Review status: criteria provided, single submitter. Criteria: Ambry Variant Classification Scheme 2023. Collection method: clinical testing. Allele origin: germline.

NM_001368894.2(PAX6):c.302T>C (p.Ile101Thr)

Gene: PAX6 (paired box 6; minus strand). Cytogenetic location: 11p13.
Variant type: single nucleotide variant.
Coding change: c.302T>C on transcript NM_001368894.2 (MANE Select); coding-DNA position 302, T replaced by C.
Protein change: p.Ile101Thr; replaces isoleucine 101 with threonine.
Molecular consequence: missense variant. On other transcripts: 5 prime UTR variant (14), non-coding transcript variant (2), intron variant (8).
Genome position (GRCh38, 1-based): chr11:31,801,658, A>G on the plus strand (T>C on the coding strand, the complement: PAX6 is on the minus strand). VCF-style: chr11-31801658-A-G. GRCh37 (hg19) VCF-style: chr11-31823206-A-G.
Other names: c.-149T>C (NM_001368903.2, NM_001368904.2, NM_001368906.2 and 8 more transcripts); c.-480T>C (NM_001368905.2, NM_001310160.2, NM_001368902.2); c.503T>C, p.Ile168Thr (NM_001368910.2); c.305T>C, p.Ile102Thr (NM_001368911.2); c.302T>C, p.Ile101Thr (NM_001368912.2, NM_001368913.2, NM_001368914.2 and 6 more transcripts); c.260T>C, p.Ile87Thr (NM_000280.6, NM_001127612.3, NM_001258464.2 and 10 more transcripts); c.377T>C, p.Ile126Thr (NM_001368918.2, NM_001368919.2); c.335T>C, p.Ile112Thr (NM_001368920.2); and 2 more; short protein forms I102T, I87T, I101T, I112T, I126T, I168T.
Identifiers: ClinVar variation 3928364 (VCV003928364.8).